The following is an entry in ClinVar:

ClinVar aggregate classification (germline): Uncertain significance (1 of 4 stars; one submission).

Submission:

Women's Health and Genetics/Laboratory Corporation of America, LabCorp
Classification: Uncertain significance. Last evaluated: 2025-12-31. Review status: criteria provided, single submitter. Criteria: LabCorp Variant Classification Summary - May 2015. Collection method: clinical testing. Allele origin: germline.
Comment: Variant summary: SHANK3 c.719T>A (p.Leu240Gln) results in a non-conservative amino acid change in the encoded protein sequence. Algorithms developed to predict the effect of missense changes on protein structure and function are either unavailable or do not agree on the potential impact of this missense change. The variant was absent in 246088 control chromosomes. The available data on variant occurrences in the general population are insufficient to allow any conclusion about variant significance. To our knowledge, no occurrence of c.719T>A in individuals affected with SHANK3-related conditions and no experimental evidence demonstrating its impact on protein function have been reported. No submitters have cited clinical-significance assessments for this variant to ClinVar. Based on the evidence outlined above, the variant was classified as uncertain significance.

NM_001372044.2(SHANK3):c.719T>A (p.Leu240Gln)

Gene: SHANK3 (SH3 and multiple ankyrin repeat domains 3; plus strand). Cytogenetic location: 22q13.33.
Variant type: single nucleotide variant.
Coding change: c.719T>A on transcript NM_001372044.2 (MANE Select); coding-DNA position 719, T replaced by A.
Protein change: p.Leu240Gln; replaces leucine 240 with glutamine.
Molecular consequence: missense variant.
Genome position (GRCh38, 1-based): chr22:50,678,814, T>A. VCF-style: chr22-50678814-T-A. GRCh37 (hg19) VCF-style: chr22-51117242-T-A.
Other names: short protein forms L240Q.
Identifiers: ClinVar variation 4688757 (VCV004688757.1).